The following is an entry in ClinVar:

ClinVar aggregate classification (germline): Pathogenic (1 of 4 stars; one submission).

Submission:

Labcorp Genetics (formerly Invitae), Labcorp
Classification: Pathogenic. Last evaluated: 2023-11-29. Review status: criteria provided, single submitter. Criteria: Invitae Variant Classification Sherloc (09022015). Collection method: clinical testing. Allele origin: germline.
Comment: This sequence change creates a premature translational stop signal (p.Ala430Serfs*15) in the ESCO2 gene. It is expected to result in an absent or disrupted protein product. Loss-of-function variants in ESCO2 are known to be pathogenic (PMID: 15821733, 16380922). This variant is not present in population databases (gnomAD no frequency). This variant has not been reported in the literature in individuals affected with ESCO2-related conditions. For these reasons, this variant has been classified as Pathogenic.

Literature cited by the submitters: PubMed 15821733; PubMed 16380922.

NM_001017420.3(ESCO2):c.1286dup (p.Ala430fs)

Gene: ESCO2 (establishment of sister chromatid cohesion N-acetyltransferase 2; plus strand). Cytogenetic location: 8p21.1.
Variant type: Duplication.
Coding change: c.1286dup on transcript NM_001017420.3 (MANE Select); coding-DNA position 1286, one base duplicated (T; older notation c.1286dupT).
Protein change: p.Ala430fs; shifts the reading frame from alanine 430.
Molecular consequence: frameshift variant.
Genome position (GRCh38, 1-based): chr8:27,791,985, T duplicated. VCF-style (leftmost placement, unchanged base first): chr8-27791984-G-GT. GRCh37 (hg19) VCF-style: chr8-27649501-G-GT.
Other names: short protein forms A430fs.
Identifiers: ClinVar variation 2699678 (VCV002699678.3), dbSNP rs2486663680, ClinGen allele CA2697549791.
Genomic context (GRCh38, chr8:27,791,984, plus strand): 5'-CACAAATTAAACTGTGACCCTTTTGTTTTCCTTTGGCAGGGTTGGAAGAAAGAACGTGTA[G>GT]TAGCAGAGTTTTGGGATGGGAAAATCGTGTTGGTTCTGCCACATGATCCAAGCTTTGCTA-3'